The following is an entry in ClinVar:

NM_000057.4(BLM):c.3683C>T (p.Ser1228Phe)

Gene: BLM (BLM RecQ like helicase; plus strand). Cytogenetic location: 15q26.1.
Variant type: single nucleotide variant.
Coding change: c.3683C>T on transcript NM_000057.4 (MANE Select); coding-DNA position 3683, C replaced by T.
Protein change: p.Ser1228Phe; replaces serine 1228 with phenylalanine.
Molecular consequence: missense variant. On other transcripts: intron variant (1).
Genome position (GRCh38, 1-based): chr15:90,804,291, C>T. VCF-style: chr15-90804291-C-T. GRCh37 (hg19) VCF-style: chr15-91347521-C-T.
Other names: c.3683C>T, p.Ser1228Phe (NM_001287246.2); c.2558C>T, p.Ser853Phe (NM_001287248.2); c.3359-4846C>T (NM_001287247.2); short protein forms S1228F, S853F.
Identifiers: ClinVar variation 2860183 (VCV002860183.3), dbSNP rs1897236482, ClinGen allele CA393848162.
Genomic context (GRCh38, chr15:90,804,291, plus strand): 5'-TGTCTCAGAGGGAAGAGATGGTTAAAAAATGTCTTGGAGAACTTACAGAAGTCTGCAAAT[C>T]TCTGGGGAAAGTTTTTGGTGTCCATTACTTCAATATTTTTAATACCGTCACTCTCAAGAA-3'
Protein context (NP_000048.1, residues 1218-1238): CLGELTEVCK[Ser1228Phe]LGKVFGVHYF

ClinVar aggregate classification (germline): Uncertain significance (1 of 4 stars; one submission).

Conditions:
Bloom syndrome (BLM). Also called: Bloom-Torre-Machacek syndrome. Identifiers: Orphanet 125, MedGen C0005859, MONDO:0008876, OMIM 210900.

Submission:

Labcorp Genetics (formerly Invitae), Labcorp
Classification: Uncertain significance for Bloom syndrome. Last evaluated: 2023-04-28. Review status: criteria provided, single submitter. Criteria: Invitae Variant Classification Sherloc (09022015). Collection method: clinical testing. Allele origin: germline.
Comment: This sequence change replaces serine, which is neutral and polar, with phenylalanine, which is neutral and non-polar, at codon 1228 of the BLM protein (p.Ser1228Phe). In summary, the available evidence is currently insufficient to determine the role of this variant in disease. Therefore, it has been classified as a Variant of Uncertain Significance. Advanced modeling of protein sequence and biophysical properties (such as structural, functional, and spatial information, amino acid conservation, physicochemical variation, residue mobility, and thermodynamic stability) performed at Invitae indicates that this missense variant is not expected to disrupt BLM protein function. This variant has not been reported in the literature in individuals affected with BLM-related conditions. This variant is not present in population databases (gnomAD no frequency).